The following is an entry in ClinVar:

NM_018127.7(ELAC2):c.1676TGC[1] (p.Leu560del)

Gene: ELAC2 (elaC ribonuclease Z 2; minus strand). Cytogenetic location: 17p12.
Variant type: Microsatellite.
Coding change: c.1676TGC[1] on transcript NM_018127.7 (MANE Select); one copy of the 3-base unit TGC starting at c.1676; the reference has two copies in a row; one copy, 3 bases deleted.
Protein change: p.Leu560del; deletes leucine 560.
Molecular consequence: inframe deletion.
Genome position (GRCh38, 1-based): chr17:12,995,957-12,995,959, GCA deleted on the plus strand (TGC on the coding strand, the reverse complement: ELAC2 is on the minus strand); deleting any 3 consecutive bases within chr17:12,995,957-12,995,962 gives the same sequence; the position shown is the placement nearest the transcript's 3' end. VCF-style (leftmost placement, unchanged base first): chr17-12995956-TGCA-T. GRCh37 (hg19) VCF-style: chr17-12899273-TGCA-T.
Other names: c.1556TGC[1], p.Leu520del (NM_001165962.2); c.1673TGC[1], p.Leu559del (NM_173717.2); short protein forms L520del, L559del, L560del.
Identifiers: ClinVar variation 1043480 (VCV001043480.2), dbSNP rs2040448051, ClinGen allele CA2248385582.

ClinVar aggregate classification (germline): Uncertain significance (1 of 4 stars; one submission).

Conditions:
Combined oxidative phosphorylation defect type 17. Also called: Combined oxidative phosphorylation deficiency 17. Identifiers: Orphanet 369913, MedGen C3809526, MONDO:0014190, OMIM 615440.

Submission:

Labcorp Genetics (formerly Invitae), Labcorp
Classification: Uncertain significance for Combined oxidative phosphorylation defect type 17. Last evaluated: 2022-08-10. Review status: criteria provided, single submitter. Criteria: Invitae Variant Classification Sherloc (09022015). Collection method: clinical testing. Allele origin: germline.
Comment: This variant, c.1679_1681del, results in the deletion of 1 amino acid(s) of the ELAC2 protein (p.Leu560del), but otherwise preserves the integrity of the reading frame. This variant is not present in population databases (gnomAD no frequency). This variant has not been reported in the literature in individuals affected with ELAC2-related conditions. Experimental studies and prediction algorithms are not available or were not evaluated, and the functional significance of this variant is currently unknown. In summary, the available evidence is currently insufficient to determine the role of this variant in disease. Therefore, it has been classified as a Variant of Uncertain Significance.